The following is an entry in ClinVar:

NM_001458.5(FLNC):c.2470A>T (p.Asn824Tyr)

Gene: FLNC (filamin C; plus strand). Cytogenetic location: 7q32.1.
Variant type: single nucleotide variant.
Coding change: c.2470A>T on transcript NM_001458.5 (MANE Select); coding-DNA position 2470, A replaced by T.
Protein change: p.Asn824Tyr; replaces asparagine 824 with tyrosine.
Molecular consequence: missense variant.
Genome position (GRCh38, 1-based): chr7:128,842,874, A>T. VCF-style: chr7-128842874-A-T. GRCh37 (hg19) VCF-style: chr7-128482928-A-T.
Other names: c.2470A>T, p.Asn824Tyr (NM_001127487.2); short protein forms N824Y.
Identifiers: ClinVar variation 579440 (VCV000579440.10), dbSNP rs1562995383, ClinGen allele CA369191694.

ClinVar aggregate classification (germline): Uncertain significance. Review status: criteria provided, multiple submitters, no conflicts (2 of 4 stars). 2 submissions from 2 submitters: Uncertain significance (2). Last evaluated 2024-06-30.

Conditions:
Cardiovascular phenotype. Identifiers: MedGen CN230736.
Hypertrophic cardiomyopathy 26. Also called: Cardiomyopathy, familial hypertrophic, 26. Identifiers: Orphanet 75249, MedGen C4310749, MONDO:0014883, OMIM 617047.
Myofibrillar myopathy 5. Also called: FILAMINOPATHY, AUTOSOMAL DOMINANT; Filaminopathy (type). Identifiers: Orphanet 171445, MedGen C1836050, MONDO:0012289, OMIM 609524.
Distal myopathy with posterior leg and anterior hand involvement. Also called: WILLIAMS DISTAL MYOPATHY. Identifiers: Orphanet 63273, MedGen C3279722, MONDO:0013550, OMIM 614065.

Submissions (2):

Labcorp Genetics (formerly Invitae), Labcorp
Classification: Uncertain significance for Distal myopathy with posterior leg and anterior hand involvement; Myofibrillar myopathy 5; Hypertrophic cardiomyopathy 26. Last evaluated: 2024-06-30. Review status: criteria provided, single submitter. Criteria: Invitae Variant Classification Sherloc (09022015). Collection method: clinical testing. Allele origin: germline.
Comment: This sequence change replaces asparagine, which is neutral and polar, with tyrosine, which is neutral and polar, at codon 824 of the FLNC protein (p.Asn824Tyr). This variant is not present in population databases (gnomAD no frequency). This variant has not been reported in the literature in individuals affected with FLNC-related conditions. ClinVar contains an entry for this variant (Variation ID: 579440). Advanced modeling of protein sequence and biophysical properties (such as structural, functional, and spatial information, amino acid conservation, physicochemical variation, residue mobility, and thermodynamic stability) has been performed at Invitae for this missense variant, however the output from this modeling did not meet the statistical confidence thresholds required to predict the impact of this variant on FLNC protein function. In summary, the available evidence is currently insufficient to determine the role of this variant in disease. Therefore, it has been classified as a Variant of Uncertain Significance.

Ambry Genetics
Classification: Uncertain significance for Cardiovascular phenotype. Last evaluated: 2022-05-09. Review status: criteria provided, single submitter. Criteria: Ambry Variant Classification Scheme 2023. Collection method: clinical testing. Allele origin: germline.
Comment: The p.N824Y variant (also known as c.2470A>T), located in coding exon 16 of the FLNC gene, results from an A to T substitution at nucleotide position 2470. The asparagine at codon 824 is replaced by tyrosine, an amino acid with dissimilar properties. This amino acid position is conserved. In addition, this alteration is predicted to be deleterious by in silico analysis. Since supporting evidence is limited at this time, the clinical significance of this alteration remains unclear.